The following is an entry in ClinVar:

ClinVar aggregate classification (germline): Conflicting classifications of pathogenicity. Review status: criteria provided, conflicting classifications (1 of 4 stars). 2 submissions from 2 submitters: Likely pathogenic (1); Uncertain significance (1). Last evaluated 2025-07-30.

Conditions:
Charcot-Marie-Tooth disease axonal type 2V. Also called: CHARCOT-MARIE-TOOTH NEUROPATHY, TYPE 2V; CHARCOT-MARIE-TOOTH DISEASE, AXONAL, AUTOSOMAL DOMINANT, TYPE 2V. Identifiers: Orphanet 447964, MedGen C5569050, MONDO:0014665, OMIM 616491.
Mucopolysaccharidosis, MPS-III-B (MPS3B). Also called: MPS IIIB (Sanfilippo Syndrome Type B); N-ACETYL-ALPHA-D-GLUCOSAMINIDASE DEFICIENCY; NAGLU DEFICIENCY; MUCOPOLYSACCHARIDOSIS, TYPE IIIB; Mucopolysaccharidosis type IIIB (Sanfilippo B); SANFILIPPO SYNDROME B. Identifiers: Orphanet 79270, MedGen C0086648, MONDO:0009656, OMIM 252920.

Submissions (2):

Women's Health and Genetics/Laboratory Corporation of America, LabCorp
Classification: Uncertain significance. Last evaluated: 2025-07-30. Review status: criteria provided, single submitter. Criteria: LabCorp Variant Classification Summary - May 2015. Collection method: clinical testing. Allele origin: germline.
Comment: Variant summary: NAGLU c.941T>C (p.Phe314Ser) results in a non-conservative amino acid change located in the Alpha-N-acetylglucosaminidase, tim-barrel domain (IPR024733) of the encoded protein sequence. Algorithms developed to predict the effect of missense changes on protein structure and function all suggest that this variant is likely to be disruptive. The variant was absent in 251356 control chromosomes. The available data on variant occurrences in the general population are insufficient to allow any conclusion about variant significance. To our knowledge, no occurrence of c.941T>C in individuals affected with Mucopolysaccharidosis Type IIIB (Sanfilippo Syndrome B) and no experimental evidence demonstrating its impact on protein function have been reported. ClinVar contains an entry for this variant (Variation ID: 1345828). Based on the evidence outlined above, the variant was classified as uncertain significance.

Labcorp Genetics (formerly Invitae), Labcorp
Classification: Likely pathogenic for Charcot-Marie-Tooth disease axonal type 2V; Mucopolysaccharidosis, MPS-III-B. Last evaluated: 2022-07-19. Review status: criteria provided, single submitter. Criteria: Invitae Variant Classification Sherloc (09022015). Collection method: clinical testing. Allele origin: germline.
Comment: In summary, the currently available evidence indicates that the variant is pathogenic, but additional data are needed to prove that conclusively. Therefore, this variant has been classified as Likely Pathogenic. This variant disrupts the p.Phe314 amino acid residue in NAGLU. Other variant(s) that disrupt this residue have been determined to be pathogenic (PMID: 12202988, 27243974). This suggests that this residue is clinically significant, and that variants that disrupt this residue are likely to be disease-causing. This sequence change replaces phenylalanine, which is neutral and non-polar, with serine, which is neutral and polar, at codon 314 of the NAGLU protein (p.Phe314Ser). This variant is not present in population databases (gnomAD no frequency). This variant has not been reported in the literature in individuals affected with NAGLU-related conditions. ClinVar contains an entry for this variant (Variation ID: 1345828). Advanced modeling of protein sequence and biophysical properties (such as structural, functional, and spatial information, amino acid conservation, physicochemical variation, residue mobility, and thermodynamic stability) performed at Invitae indicates that this missense variant is expected to disrupt NAGLU protein function.

Literature cited by the submitters: PubMed 12202988 (cited by Labcorp Genetics (formerly Invitae), Labcorp); PubMed 27243974 (cited by Labcorp Genetics (formerly Invitae), Labcorp).

NM_000263.4(NAGLU):c.941T>C (p.Phe314Ser)

Gene: NAGLU (N-acetyl-alpha-glucosaminidase; plus strand). Cytogenetic location: 17q21.2.
Variant type: single nucleotide variant.
Coding change: c.941T>C on transcript NM_000263.4 (MANE Select); coding-DNA position 941, T replaced by C.
Protein change: p.Phe314Ser; replaces phenylalanine 314 with serine.
Molecular consequence: missense variant.
Genome position (GRCh38, 1-based): chr17:42,541,126, T>C. VCF-style: chr17-42541126-T-C. GRCh37 (hg19) VCF-style: chr17-40693144-T-C.
Other names: short protein forms F314S.
Identifiers: ClinVar variation 1345828 (VCV001345828.10), dbSNP rs1181487342, ClinGen allele CA399600257.